The following is an entry in ClinVar:

ClinVar aggregate classification (germline): Pathogenic/Likely pathogenic. Review status: criteria provided, multiple submitters, no conflicts (2 of 4 stars). 5 submissions from 5 submitters: Pathogenic (3); Likely pathogenic (2). Last evaluated 2026-07-14.

Conditions:
Hereditary cancer-predisposing syndrome. Also called: Neoplastic Syndromes, Hereditary; Hereditary Cancer Syndrome; Tumor predisposition; Hereditary neoplastic syndrome. Identifiers: Orphanet 140162, MedGen C0027672, MeSH D009386, MONDO:0015356.
Cardiovascular phenotype. Identifiers: MedGen CN230736.
RASopathy. Also called: rasopathies; Noonan spectrum disorder. Identifiers: Orphanet 536391, MedGen C5555857, MONDO:0021060.
Neurofibromatosis, type 1 (NF1). Also called: Peripheral type neurofibromatosis; VON RECKLINGHAUSEN DISEASE; Neurofibromatosis, type I; NEUROFIBROMATOSIS, TYPE I, SOMATIC. Identifiers: Orphanet 636, MedGen C0027831, MONDO:0018975, OMIM 162200. Disease mechanism: loss of function.

Submissions (5):

Ambry Genetics
Classification: Pathogenic for Cardiovascular phenotype; Hereditary cancer-predisposing syndrome. Last evaluated: 2026-07-14. Review status: criteria provided, single submitter. Criteria: Ambry Variant Classification Scheme 2023. Collection method: clinical testing. Allele origin: germline.
Comment: The c.3315-2A>C intronic pathogenic mutation results from an A to C substitution two nucleotides upstream from coding exon 26 in the NF1 gene. This variant was reported in individual(s) with features consistent with neurofibromatosis type 1 (external communication; Ambry internal data). This nucleotide position is highly conserved in available vertebrate species. In silico splice site analysis predicts that this alteration may result in the creation or strengthening of a novel splice acceptor site. RNA studies have demonstrated that this variant results in abnormal splicing in the set of samples tested (Ambry internal data). Other variant(s) impacting the same acceptor site (c.3315-1G>A) have been identified in individual(s) with features consistent with neurofibromatosis type 1 (external communication). c.3315-2A>C is considered to be rare based on population cohorts in the Genome Aggregation Database (gnomAD). Based on the supporting evidence, this variant is interpreted as a disease-causing mutation.

Labcorp Genetics (formerly Invitae), Labcorp
Classification: Pathogenic for Neurofibromatosis, type 1. Last evaluated: 2025-12-19. Review status: criteria provided, single submitter. Criteria: Invitae Variant Classification Sherloc (09022015). Collection method: clinical testing. Allele origin: germline.
Comment: This sequence change affects an acceptor splice site in intron 25 of the NF1 gene. RNA analysis indicates that disruption of this splice site induces altered splicing and may result in an absent or altered protein product. This variant is not present in population databases (gnomAD no frequency). Disruption of this splice site has been observed in individuals with neurofibromatosis type 1 (PMID: 23913538; internal data). ClinVar contains an entry for this variant (Variation ID: 917573). Studies have shown that disruption of this splice site results in multiple mRNA products, and produces a non-functional protein and/or introduces a premature termination codon (internal data). For these reasons, this variant has been classified as Pathogenic.

NHS Central & South Genomic Laboratory Hub
Classification: Pathogenic for Neurofibromatosis type 1. Last evaluated: 2025-09-25. Review status: criteria provided, single submitter. Criteria: ACMG Guidelines, 2015. Collection method: clinical testing. Allele origin: germline. Affected: yes.

Quest Diagnostics Nichols Institute San Juan Capistrano
Classification: Likely pathogenic. Last evaluated: 2024-04-17. Review status: criteria provided, single submitter. Criteria: Quest Diagnostics criteria. Collection method: clinical testing. Allele origin: unknown.
Comment: The NF1 c.3315-2A>C variant disrupts a canonical splice-acceptor site and is predicted to interfere with normal NF1 mRNA splicing. This variant has not been reported in individuals with NF1-related conditions in the published literature. This variant has not been reported in large, multi-ethnic general populations (Genome Aggregation Database). Based on the available information, this variant is classified as likely pathogenic.

Women's Health and Genetics/Laboratory Corporation of America, LabCorp
Classification: Likely pathogenic for Rasopathy. Last evaluated: 2020-01-13. Review status: criteria provided, single submitter. Criteria: LabCorp Variant Classification Summary - May 2015. Collection method: clinical testing. Allele origin: germline.
Comment: Variant summary: NF1 c.3315-2A>C is located in a canonical splice-site and is predicted to affect mRNA splicing resulting in a significantly altered protein due to either exon skipping, shortening, or inclusion of intronic material. Several computational tools predict a significant impact on normal splicing: five predict the variant abolishes a 3' acceptor site. However, these predictions have yet to be confirmed by functional studies. The variant was absent in 251110 control chromosomes (gnomAD). To our knowledge, no occurrence of c.3315-2A>C in individuals affected with Noonan Syndrome and Related Conditions and no experimental evidence demonstrating its impact on protein function have been reported. No clinical diagnostic laboratories have submitted clinical-significance assessments for this variant to ClinVar after 2014. Based on the evidence outlined above, the variant was classified as likely pathogenic.

Literature cited by the submitters: PubMed 23913538 (cited by Labcorp Genetics (formerly Invitae), Labcorp).

NM_001042492.3(NF1):c.3315-2A>C

Gene: NF1 (neurofibromin 1; plus strand). Cytogenetic location: 17q11.2.
Variant type: single nucleotide variant.
Coding change: c.3315-2A>C on transcript NM_001042492.3 (MANE Select); the canonical splice acceptor site of the intron before coding-DNA position 3315, A replaced by C.
Molecular consequence: splice acceptor variant.
Genome position (GRCh38, 1-based): chr17:31,232,698, A>C. VCF-style: chr17-31232698-A-C. GRCh37 (hg19) VCF-style: chr17-29559716-A-C.
Other names: c.3315-2A>C (NM_000267.4).
Identifiers: ClinVar variation 917573 (VCV000917573.9), dbSNP rs1555614914, ClinGen allele CA398988953.